The following is an entry in ClinVar:

ClinVar aggregate classification (germline): Likely benign (0 of 4 stars; one submission).

Conditions:
MDN1-related disorder. Also called: MDN1-related condition.

Allele frequency attached by ClinVar (database versions not stated): gnomAD exomes 0.00036; ExAC 0.00060; gnomAD 0.00119; TOPMed 0.00125; ESP Exome Variant Server 0.00200; 1000 Genomes Project 30x 0.00219; 1000 Genomes Project 0.00240.
gnomAD v4.1: 702 of 1,613,198 alleles (0.044%); highest among the groups gnomAD compares: African/African-American, 0.37%; 3 homozygotes.

Submission:

PreventionGenetics, part of Exact Sciences
Classification: Likely benign for MDN1-related condition. Last evaluated: 2019-11-25. Review status: no assertion criteria provided. Collection method: clinical testing. Allele origin: germline.
Comment: This variant is classified as likely benign based on ACMG/AMP sequence variant interpretation guidelines (Richards et al. 2015 PMID: 25741868, with internal and published modifications).

NM_014611.3(MDN1):c.3372G>A (p.Thr1124=)

Gene: MDN1 (midasin AAA ATPase 1; minus strand). Cytogenetic location: 6q15.
Variant type: single nucleotide variant.
Coding change: c.3372G>A on transcript NM_014611.3 (MANE Select); coding-DNA position 3372, G replaced by A.
Protein change: p.Thr1124=; no amino-acid change (threonine 1124 retained).
Molecular consequence: synonymous variant.
Genome position (GRCh38, 1-based): chr6:89,750,388, C>T on the plus strand (G>A on the coding strand, the complement: MDN1 is on the minus strand). VCF-style: chr6-89750388-C-T. GRCh37 (hg19) VCF-style: chr6-90460107-C-T.
Identifiers: ClinVar variation 3049927 (VCV003049927.2), dbSNP rs116023976, ClinGen allele CA3925367.